The following is an entry in ClinVar:

ClinVar aggregate classification (germline): Uncertain significance (1 of 4 stars; one submission).

Conditions:
Hereditary cancer-predisposing syndrome. Also called: Hereditary neoplastic syndrome; Neoplastic Syndromes, Hereditary; Tumor predisposition; Hereditary Cancer Syndrome. Identifiers: Orphanet 140162, MedGen C0027672, MeSH D009386, MONDO:0015356.

Submission:

Ambry Genetics
Classification: Uncertain significance for Hereditary cancer-predisposing syndrome. Last evaluated: 2025-01-09. Review status: criteria provided, single submitter. Criteria: Ambry Variant Classification Scheme 2023. Collection method: clinical testing. Allele origin: germline.
Comment: The p.P776A variant (also known as c.2326C>G), located in coding exon 9 of the AXIN2 gene, results from a C to G substitution at nucleotide position 2326. The proline at codon 776 is replaced by alanine, an amino acid with highly similar properties. This amino acid position is conserved. In addition, this alteration is predicted to be deleterious by in silico analysis. Based on the available evidence, the clinical significance of this variant remains unclear.

NM_004655.4(AXIN2):c.2326C>G (p.Pro776Ala)

Gene: AXIN2 (axin 2; minus strand). Cytogenetic location: 17q24.1.
Variant type: single nucleotide variant.
Coding change: c.2326C>G on transcript NM_004655.4 (MANE Select); coding-DNA position 2326, C replaced by G.
Protein change: p.Pro776Ala; replaces proline 776 with alanine.
Molecular consequence: missense variant.
Genome position (GRCh38, 1-based): chr17:65,533,991, G>C on the plus strand (C>G on the coding strand, the complement: AXIN2 is on the minus strand). VCF-style: chr17-65533991-G-C. GRCh37 (hg19) VCF-style: chr17-63530109-G-C.
Other names: c.2131C>G, p.Pro711Ala (NM_001363813.1); short protein forms P711A, P776A.
Identifiers: ClinVar variation 3814365 (VCV003814365.1).
Genomic context (GRCh38, chr17:65,533,991, plus strand): 5'-TGAGCTGCTCTTTAAAGTGGCCCAGGGTCAAGCTCTGAGCCTTCAGCATCCTCCGGTATG[G>C]AATTTCTTCCCCACAGAAAAAGTAAGTGACAACCAACTCACTGGCCTGGAGCGCGTGGAC-3'
Protein context (NP_004646.3, residues 766-786): VTYFFCGEEI[Pro776Ala]YRRMLKAQSL